The following is an entry in ClinVar:

ClinVar aggregate classification (germline): Uncertain significance. Review status: criteria provided, multiple submitters, no conflicts (2 of 4 stars). 2 submissions from 2 submitters: Uncertain significance (2). Last evaluated 2021-11-26.

Conditions:
Hereditary cancer-predisposing syndrome. Also called: Hereditary neoplastic syndrome; Hereditary Cancer Syndrome; Tumor predisposition; Neoplastic Syndromes, Hereditary. Identifiers: Orphanet 140162, MedGen C0027672, MeSH D009386, MONDO:0015356.
Cardiovascular phenotype. Identifiers: MedGen CN230736.

Submissions (2):

Labcorp Genetics (formerly Invitae), Labcorp
Classification: Uncertain significance. Last evaluated: 2021-11-26. Review status: criteria provided, single submitter. Criteria: Invitae Variant Classification Sherloc (09022015). Collection method: clinical testing. Allele origin: germline.
Comment: In summary, the available evidence is currently insufficient to determine the role of this variant in disease. Therefore, it has been classified as a Variant of Uncertain Significance. Algorithms developed to predict the effect of missense changes on protein structure and function (SIFT, PolyPhen-2, Align-GVGD) all suggest that this variant is likely to be disruptive. This variant has not been reported in the literature in individuals affected with LZTR1-related conditions. This variant is not present in population databases (gnomAD no frequency). This sequence change replaces cysteine, which is neutral and slightly polar, with arginine, which is basic and polar, at codon 667 of the LZTR1 protein (p.Cys667Arg).

Ambry Genetics
Classification: Uncertain significance for Cardiovascular phenotype; Hereditary cancer-predisposing syndrome. Last evaluated: 2021-08-23. Review status: criteria provided, single submitter. Criteria: Ambry Variant Classification Scheme 2023. Collection method: clinical testing. Allele origin: germline.
Comment: The p.C667R variant (also known as c.1999T>C), located in coding exon 17 of the LZTR1 gene, results from a T to C substitution at nucleotide position 1999. The cysteine at codon 667 is replaced by arginine, an amino acid with highly dissimilar properties. This amino acid position is highly conserved in available vertebrate species. In addition, this alteration is predicted to be deleterious by in silico analysis. Since supporting evidence is limited at this time, the clinical significance of this alteration remains unclear.

NM_006767.4(LZTR1):c.1999T>C (p.Cys667Arg)

Gene: LZTR1 (leucine zipper like post translational regulator 1; plus strand). Cytogenetic location: 22q11.21.
Variant type: single nucleotide variant.
Coding change: c.1999T>C on transcript NM_006767.4 (MANE Select); coding-DNA position 1999, T replaced by C.
Protein change: p.Cys667Arg; replaces cysteine 667 with arginine.
Molecular consequence: missense variant.
Genome position (GRCh38, 1-based): chr22:20,995,802, T>C. VCF-style: chr22-20995802-T-C. GRCh37 (hg19) VCF-style: chr22-21350091-T-C.
Other names: short protein forms C667R.
Identifiers: ClinVar variation 1520624 (VCV001520624.8), dbSNP rs2147969315, ClinGen allele CA410779035.